The following is an entry in ClinVar:

ClinVar aggregate classification (germline): Likely benign (1 of 4 stars; one submission).

Allele frequency attached by ClinVar (database versions not stated): gnomAD exomes 0.00001.

Submission:

GeneDx
Classification: Likely benign. Last evaluated: 2016-10-31. Review status: criteria provided, single submitter. Criteria: GeneDx Variant Classification (06012015). Collection method: clinical testing. Allele origin: germline. Affected: yes.
Comment: This variant is considered likely benign or benign based on one or more of the following criteria: it is a conservative change, it occurs at a poorly conserved position in the protein, it is predicted to be benign by multiple in silico algorithms, and/or has population frequency not consistent with disease.

NM_139058.3(ARX):c.1377G>A (p.Pro459=)

Gene: ARX (aristaless related homeobox; minus strand). Cytogenetic location: Xp21.3.
Variant type: single nucleotide variant.
Coding change: c.1377G>A on transcript NM_139058.3 (MANE Select); coding-DNA position 1377, G replaced by A.
Protein change: p.Pro459=; no amino-acid change (proline 459 retained).
Molecular consequence: synonymous variant.
Genome position (GRCh38, 1-based): chrX:25,007,182, C>T on the plus strand (G>A on the coding strand, the complement: ARX is on the minus strand). VCF-style: chrX-25007182-C-T. GRCh37 (hg19) VCF-style: chrX-25025299-C-T.
Identifiers: ClinVar variation 390241 (VCV000390241.1), dbSNP rs757030151, ClinGen allele CA10373806.
Genomic context (GRCh38, chrX:25,007,182, plus strand): 5'-CGGGCTGATGAAAGCTGGGTGTCGGAACACTGCCGCTCCGAGGAAAGTGCTCAGGCCCAG[C>T]GGCGCCCCGCTGGGCGGCAGGCTGGCCGAGCCCGGAGGCGGAGGTAGGCTCGGGAAGGCG-3'
Protein context (NP_620689.1, residues 449-469): GSASLPPSGA[Pro459=]LGLSTFLGAA